The following is an entry in ClinVar:

NM_004281.4(BAG3):c.317G>A (p.Arg106Gln)

Gene: BAG3 (BAG cochaperone 3; plus strand). Cytogenetic location: 10q26.11.
Variant type: single nucleotide variant.
Coding change: c.317G>A on transcript NM_004281.4 (MANE Select); coding-DNA position 317, G replaced by A.
Protein change: p.Arg106Gln; replaces arginine 106 with glutamine.
Molecular consequence: missense variant.
Genome position (GRCh38, 1-based): chr10:119,669,987, G>A. VCF-style: chr10-119669987-G-A. GRCh37 (hg19) VCF-style: chr10-121429499-G-A.
Other names: short protein forms R106Q.
Identifiers: ClinVar variation 643815 (VCV000643815.11), dbSNP rs1200121142, ClinGen allele CA378294854.

ClinVar aggregate classification (germline): Uncertain significance. Review status: criteria provided, multiple submitters, no conflicts (2 of 4 stars). 2 submissions from 2 submitters: Uncertain significance (2). Last evaluated 2024-09-03.

Conditions:
Dilated cardiomyopathy 1HH (CMD1HH). Identifiers: Orphanet 154, MedGen C3151293, MONDO:0013479, OMIM 613881.
Myofibrillar myopathy 6. Identifiers: Orphanet 199340, MedGen C2751831, MONDO:0013061, OMIM 612954.

Allele frequency attached by ClinVar (database versions not stated): TOPMed below 0.00001; gnomAD exomes 0.00001.

Submissions (2):

Labcorp Genetics (formerly Invitae), Labcorp
Classification: Uncertain significance for Dilated cardiomyopathy 1HH; Myofibrillar myopathy 6. Last evaluated: 2024-09-03. Review status: criteria provided, single submitter. Criteria: Invitae Variant Classification Sherloc (09022015). Collection method: clinical testing. Allele origin: germline.
Comment: This sequence change replaces arginine, which is basic and polar, with glutamine, which is neutral and polar, at codon 106 of the BAG3 protein (p.Arg106Gln). This variant is not present in population databases (gnomAD no frequency). This missense change has been observed in individual(s) with sudden unexpected death syndrome (PMID: 28704380). ClinVar contains an entry for this variant (Variation ID: 643815). Invitae Evidence Modeling of protein sequence and biophysical properties (such as structural, functional, and spatial information, amino acid conservation, physicochemical variation, residue mobility, and thermodynamic stability) indicates that this missense variant is not expected to disrupt BAG3 protein function with a negative predictive value of 80%. In summary, the available evidence is currently insufficient to determine the role of this variant in disease. Therefore, it has been classified as a Variant of Uncertain Significance.

Laboratory for Molecular Medicine, Mass General Brigham Personalized Medicine
Classification: Uncertain significance. Last evaluated: 2018-10-08. Review status: criteria provided, single submitter. Criteria: LMM Criteria. Collection method: clinical testing. Allele origin: germline. Inheritance: Autosomal dominant inheritance. Observed: 1 variant allele.
Comment: It was absent from la rge population studies. Computational prediction tools and conservation analysis do not provide strong support for or against an impact to the protein. In summa ry, the clinical significance of the p.Arg106Gln variant is uncertain. ACMG/AMP Criteria applied: PM2.

Literature cited by the submitters: PubMed 28704380 (cited by Labcorp Genetics (formerly Invitae), Labcorp and Laboratory for Molecular Medicine, Mass General Brigham Personalized Medicine).